The following is an entry in ClinVar:

ClinVar aggregate classification (germline): Pathogenic/Likely pathogenic. Review status: criteria provided, multiple submitters, no conflicts (2 of 4 stars). 6 submissions from 6 submitters: Pathogenic (5); Likely pathogenic (1). Last evaluated 2025-10-06.

Conditions:
FKTN-related disorder. Also called: FKTN-related disorders; FKTN-related condition.
Muscular dystrophy-dystroglycanopathy (congenital with brain and eye anomalies), type A, 4 (MDDGA4). Also called: Walker-Warburg Syndrome, Fktn-Related; Muscular dystrophy, congenital progressive, with mental retardation; Muscular dystrophy, congenital, with central nervous system involvement; Cerebromuscular dystrophy, Fukuyama type; Fukuyama congenital muscular dystrophy; Congenital muscular dystrophy-dystroglycanopathy with brain and eye anomalies, type A4. Identifiers: Orphanet 272, Orphanet 588, Orphanet 899, MedGen C0410174, MONDO:0009678, OMIM 253800.
Dilated cardiomyopathy 1X (CMD1X). Also called: FKTN-Related Dilated Cardiomyopathy; CARDIOMYOPATHY, DILATED, WITH MILD OR NO PROXIMAL MUSCLE WEAKNESS. Identifiers: Orphanet 154, MedGen C1969024, MONDO:0012704, OMIM 611615.
Muscular dystrophy-dystroglycanopathy (congenital with brain and eye anomalies), type A1 (MDDGA1). Also called: COD-MD SYNDROME; Muscular dystrophy-dystroglycanopathy (congenital with brain and eye anomalies), type A, 1; WALKER-WARBURG SYNDROME OR MUSCLE-EYE-BRAIN DISEASE, POMT1-RELATED; Hydrocephalus, agyria and retinal dysplasia; Hard +/- E syndrome; Warburg syndrome. Identifiers: Orphanet 588, Orphanet 899, MedGen C4284790, MONDO:0009364, OMIM 236670.
Autosomal recessive limb-girdle muscular dystrophy type 2M. Also called: MUSCULAR DYSTROPHY-DYSTROGLYCANOPATHY (LIMB-GIRDLE), TYPE C, 4; MUSCULAR DYSTROPHY, LIMB-GIRDLE, TYPE 2M. Identifiers: Orphanet 206554, MedGen C1969040, MONDO:0012699, OMIM 611588.
Muscular dystrophy-dystroglycanopathy (congenital without impaired intellectual development), type B, 4. Also called: Muscular dystrophy-dystroglycanopathy (congenital without intellectual disability), type B4; MUSCULAR DYSTROPHY, CONGENITAL, FKTN-RELATED. Identifiers: MedGen C2751052, MONDO:0013156, OMIM 613152.
Walker-Warburg congenital muscular dystrophy. Also called: Muscular dystrophy-dystroglycanopathy, type A; Walker-Warburg syndrome. Identifiers: Orphanet 899, MedGen C0265221, MONDO:0000171.

Submissions (6):

3billion
Classification: Pathogenic for FKTN-related disorder. Last evaluated: 2025-10-06. Review status: criteria provided, single submitter. Criteria: ACMG Guidelines, 2015. Collection method: clinical testing. Allele origin: germline. Affected: yes.
Comment: The variant is not observed in the gnomAD v4.1.0 dataset. Predicted Consequence/Location: Intron variant: previously reported to alter splicing and result in a loss of normal protein function through nonsense-mediated decay (NMD) or protein truncation (PMID: 20620061). In silico tools predict the variant to alter splicing and produce an abnormal transcript [SpliceAI: 0.43 (spliceogenicity >=0.2, non-spliceogenicity <0.1)]. Intron variant: previously reported to alter splicing and result in a loss of normal protein function through nonsense-mediated decay (NMD) or protein truncation (PMID: 20620061). Therefore, this variant is classified as Pathogenic according to the recommendation of ACMG/AMP guideline.

Natera, Inc.
Classification: Pathogenic for Walker-Warburg congenital muscular dystrophy. Last evaluated: 2024-10-20. Review status: criteria provided, single submitter. Criteria: Natera Variant Classification Schema (03/2026). Collection method: clinical testing. Allele origin: germline.
Comment: The c.648-1243G>T variant in FKTN is an intronic variant located outside the canonical splice sites. This variant is rare in the general population with a frequency below the threshold expected for the associated phenotype(s). This variant has been observed in one or more individuals affected with the associated recessive disease, as either homozygous or compound heterozygous with a second variant (PMID: 28680109). Given the available evidence, this variant is classified as Pathogenic.

Baylor Genetics
Classification: Pathogenic for Dilated cardiomyopathy 1X. Last evaluated: 2024-03-24. Review status: criteria provided, single submitter. Criteria: ACMG Guidelines, 2015. Collection method: clinical testing. Allele origin: unknown.

Labcorp Genetics (formerly Invitae), Labcorp
Classification: Pathogenic for Walker-Warburg congenital muscular dystrophy. Last evaluated: 2024-02-19. Review status: criteria provided, single submitter. Criteria: Invitae Variant Classification Sherloc (09022015). Collection method: clinical testing. Allele origin: germline.
Comment: This sequence change falls in intron 6 of the FKTN gene. It does not directly change the encoded amino acid sequence of the FKTN protein. RNA analysis indicates that this variant induces altered splicing and may result in an absent or disrupted protein product. This variant is not present in population databases (gnomAD no frequency). This variant has been observed in individual(s) with congenital muscular dystrophy (PMID: 20620061, 28680109). In at least one individual the data is consistent with being in trans (on the opposite chromosome) from a pathogenic variant. This variant is also known as c.647+2084G>T. ClinVar contains an entry for this variant (Variation ID: 496331). Studies have shown that this variant results in insertion of a pseudoexon and introduces a premature termination codon (PMID: 20620061, 28680109). The resulting mRNA is expected to undergo nonsense-mediated decay. For these reasons, this variant has been classified as Pathogenic.

Women's Health and Genetics/Laboratory Corporation of America, LabCorp
Classification: Pathogenic for Muscular dystrophy-dystroglycanopathy (congenital with brain and eye anomalies), type A, 4. Last evaluated: 2023-01-24. Review status: criteria provided, single submitter. Criteria: LabCorp Variant Classification Summary - May 2015. Collection method: clinical testing. Allele origin: germline.
Comment: Variant summary: FKTN c.648-1243G>T involves the alteration of a non-conserved nucleotide resulting in an intronic change. Several computational tools predict a significant impact on normal splicing: Two predict the variant strengthens a cryptic 5' donor site. One predicts the variant creates a cryptic 5' donor site. In addition, this variant is predicted to create a pseudoexon between exon 5 and exon 6 resulting in a frameshift and a premature stop codon (Kobayashi_2017). Another study showed patients with parental origins of this variant and direct sequencing of RNA showed the 64bp pseudogene insertion (Lim_2010). The variant was absent in 192 control chromosomes (gnomAD and publication data). c.648-1243G>T has been reported in the literature as a compound heterozygous genotype with a pathogenic variant in multiple individuals affected with Fukuyama Congenital Muscular Dystrophy (Example: Suzuki_2022, Kobayashi_2017, Lim_2010 etc.) and was shown to segregate with disease (Kobayashi_2017). These data indicate that the variant is very likely to be associated with disease. Two ClinVar submitters (evaluation after 2014) cite this variant as pathogenic and likely pathogenic. Based on the evidence outlined above, the variant was classified as pathogenic.

Fulgent Genetics
Classification: Likely pathogenic for Muscular dystrophy-dystroglycanopathy (congenital with brain and eye anomalies), type A1; Muscular dystrophy-dystroglycanopathy (congenital with brain and eye anomalies), type A, 4; Autosomal recessive limb-girdle muscular dystrophy type 2M; Dilated cardiomyopathy 1X; Muscular dystrophy-dystroglycanopathy (congenital without impaired intellectual development), type B, 4. Last evaluated: 2018-10-31. Review status: criteria provided, single submitter. Criteria: ACMG Guidelines, 2015. Collection method: clinical testing. Allele origin: unknown.

Literature cited by the submitters: PubMed 20620061 (cited by 3 submitters); PubMed 28680109 (cited by 3 submitters); PubMed 35131284 (cited by Women's Health and Genetics/Laboratory Corporation of America, LabCorp).

NM_001079802.2(FKTN):c.648-1243G>T

Gene: FKTN (fukutin; plus strand). Cytogenetic location: 9q31.2.
Variant type: single nucleotide variant.
Coding change: c.648-1243G>T on transcript NM_001079802.2 (MANE Select); 1243 bases into the intron before coding-DNA position 648, G replaced by T.
Molecular consequence: intron variant.
Genome position (GRCh38, 1-based): chr9:105,606,576, G>T. VCF-style: chr9-105606576-G-T. GRCh37 (hg19) VCF-style: chr9-108368857-G-T.
Other names: c.647+2084G>T (NM_006731.2, NM_001079802.2); c.648-1243G>T (NM_006731.2, NM_001351496.2, NM_001198963.2 and 1 more transcripts); c.252-1243G>T (NM_001351502.2, NM_001351499.2, NM_001351500.2 and 1 more transcripts); c.579-1243G>T (NM_001351497.2).
Identifiers: ClinVar variation 496331 (VCV000496331.14), dbSNP rs1554754182, ClinGen allele CA658683548.